The following is an entry in ClinVar:

NM_001372076.1(PAX9):c.77G>A (p.Arg26Gln)

Gene: PAX9 (paired box 9; plus strand). Cytogenetic location: 14q13.3.
Variant type: single nucleotide variant.
Coding change: c.77G>A on transcript NM_001372076.1 (MANE Select); coding-DNA position 77, G replaced by A.
Protein change: p.Arg26Gln; replaces arginine 26 with glutamine.
Molecular consequence: missense variant.
Genome position (GRCh38, 1-based): chr14:36,662,969, G>A. VCF-style: chr14-36662969-G-A. GRCh37 (hg19) VCF-style: chr14-37132174-G-A.
Other names: c.77G>A, p.Arg26Gln (NM_006194.4); short protein forms R26Q.
Identifiers: ClinVar variation 1999853 (VCV001999853.4), dbSNP rs2502236756, ClinGen allele CA389466065.

ClinVar aggregate classification (germline): Uncertain significance (1 of 4 stars; one submission).

Conditions:
Hypodontia. Also called: Partial congenital absence of teeth; TOOTH AGENESIS, FAMILIAL; Tooth agenesis, selective. Identifiers: Orphanet 99798, MedGen C0020608, MONDO:0005486, HP:0000668. Disease mechanism: loss of function.

Allele frequency attached by ClinVar (database versions not stated): gnomAD exomes below 0.00001.
gnomAD v4.1: 1 of 1,613,564 alleles (0.000062%); highest among the groups gnomAD compares: Non-Finnish European, 0.000085%; no homozygotes.

Submission:

Labcorp Genetics (formerly Invitae), Labcorp
Classification: Uncertain significance for Hypodontia. Last evaluated: 2022-05-28. Review status: criteria provided, single submitter. Criteria: Invitae Variant Classification Sherloc (09022015). Collection method: clinical testing. Allele origin: germline.
Comment: This variant has not been reported in the literature in individuals affected with PAX9-related conditions. Algorithms developed to predict the effect of missense changes on protein structure and function (SIFT, PolyPhen-2, Align-GVGD) all suggest that this variant is likely to be disruptive. This variant disrupts the p.Arg26 amino acid residue in PAX9. Other variant(s) that disrupt this residue have been determined to be pathogenic (PMID: 14571272, 19429910, 28910570). This suggests that this residue is clinically significant, and that variants that disrupt this residue are likely to be disease-causing. In summary, the available evidence is currently insufficient to determine the role of this variant in disease. Therefore, it has been classified as a Variant of Uncertain Significance. This variant is not present in population databases (gnomAD no frequency). This sequence change replaces arginine, which is basic and polar, with glutamine, which is neutral and polar, at codon 26 of the PAX9 protein (p.Arg26Gln).

Literature cited by the submitters: PubMed 14571272; PubMed 19429910; PubMed 28910570.